The following is an entry in ClinVar:

ClinVar aggregate classification (germline): Likely benign (1 of 4 stars; one submission).

Allele frequency attached by ClinVar (database versions not stated): gnomAD 0.00001; TOPMed 0.00001.
gnomAD v4.1: 9 of 1,394,404 alleles (0.00065%); highest among the groups gnomAD compares: African/African-American, 0.0085%; no homozygotes.

Submission:

CeGaT Center for Human Genetics Tuebingen
Classification: Likely benign. Last evaluated: 2022-06-01. Review status: criteria provided, single submitter. Criteria: CeGaT Center For Human Genetics Tuebingen Variant Classification Criteria Version 2. Collection method: clinical testing. Allele origin: germline. Affected: yes. Observed: 1 variant allele.
Comment: AFF3: BP4, BP7

NM_001386135.1(AFF3):c.1788C>T (p.Ala596=)

Gene: AFF3 (ALF transcription elongation factor 3; minus strand). Cytogenetic location: 2q11.2.
Variant type: single nucleotide variant.
Coding change: c.1788C>T on transcript NM_001386135.1 (MANE Select); coding-DNA position 1788, C replaced by T.
Protein change: p.Ala596=; no amino-acid change (alanine 596 retained).
Molecular consequence: synonymous variant.
Genome position (GRCh38, 1-based): chr2:99,593,873, G>A on the plus strand (C>T on the coding strand, the complement: AFF3 is on the minus strand). VCF-style: chr2-99593873-G-A. GRCh37 (hg19) VCF-style: chr2-100210335-G-A.
Other names: c.1863C>T, p.Ala621= (NM_001025108.2); c.1788C>T, p.Ala596= (NM_002285.3).
Identifiers: ClinVar variation 1694962 (VCV001694962.31), dbSNP rs1558618600, ClinGen allele CA427824962.